The following is an entry in ClinVar:

NM_001845.6(COL4A1):c.144+5206C>A

Gene: COL4A1 (collagen type IV alpha 1 chain; minus strand). Cytogenetic location: 13q34.
Variant type: single nucleotide variant.
Coding change: c.144+5206C>A on transcript NM_001845.6 (MANE Select); 5206 bases into the intron after coding-DNA position 144, C replaced by A.
Molecular consequence: intron variant.
Genome position (GRCh38, 1-based): chr13:110,237,469, G>T on the plus strand (C>A on the coding strand, the complement: COL4A1 is on the minus strand). VCF-style: chr13-110237469-G-T. GRCh37 (hg19) VCF-style: chr13-110889816-G-T.
Other names: c.144+5206C>A (NM_001303110.2).
Identifiers: ClinVar variation 2643946 (VCV002643946.24), dbSNP rs117044970, ClinGen allele CA256255478.

ClinVar aggregate classification (germline): Likely benign (1 of 4 stars; one submission).

Allele frequency attached by ClinVar (database versions not stated): 1000 Genomes Project 0.00040; 1000 Genomes Project 30x 0.00047.

Submission:

CeGaT Center for Human Genetics Tuebingen
Classification: Likely benign. Last evaluated: 2026-08-01. Review status: criteria provided, single submitter. Criteria: CeGaT Center For Human Genetics Tuebingen Variant Classification Criteria Version 2. Collection method: clinical testing. Allele origin: germline. Affected: yes. Observed: 14 variant alleles.
Comment: COL4A1: BS1